The following is an entry in ClinVar:

NM_005094.4(SLC27A4):c.1510C>T (p.Arg504Cys)

Gene: SLC27A4 (solute carrier family 27 member 4; plus strand). Cytogenetic location: 9q34.11.
Variant type: single nucleotide variant.
Coding change: c.1510C>T on transcript NM_005094.4 (MANE Select); coding-DNA position 1510, C replaced by T.
Protein change: p.Arg504Cys; replaces arginine 504 with cysteine.
Molecular consequence: missense variant.
Genome position (GRCh38, 1-based): chr9:128,355,445, C>T. VCF-style: chr9-128355445-C-T. GRCh37 (hg19) VCF-style: chr9-131117724-C-T.
Other names: c.1510C>T (NM_005094.3); short protein forms R504C.
Identifiers: ClinVar variation 2436009 (VCV002436009.9), dbSNP rs770645288, ClinGen allele CA5261332.

ClinVar aggregate classification (germline): Conflicting classifications of pathogenicity. Review status: criteria provided, conflicting classifications (1 of 4 stars). 5 submissions from 5 submitters: Likely pathogenic (3); Uncertain significance (2). Last evaluated 2026-03-29.

Conditions:
SLC27A4-related disorder. Also called: SLC27A4-related condition.
Ichthyosis prematurity syndrome (IPS). Also called: ICHTHYOSIS CONGENITA IV. Identifiers: Orphanet 88621, MedGen C1837610, MONDO:0012089, OMIM 608649.

Allele frequency attached by ClinVar (database versions not stated): gnomAD exomes 0.00001; TOPMed 0.00002; ExAC 0.00003; gnomAD 0.00003.
gnomAD v4.1: 21 of 1,613,678 alleles (0.0013%); highest among the groups gnomAD compares: Middle Eastern, 0.033%; no homozygotes.

Submissions (5):

PreventionGenetics, part of Exact Sciences
Classification: Likely pathogenic for SLC27A4-related condition. Last evaluated: 2026-03-29. Review status: criteria provided, single submitter. Criteria: ACMG Guidelines, 2015. Collection method: clinical testing. Allele origin: germline.
Comment: The SLC27A4 c.1510C>T variant is predicted to result in the amino acid substitution p.Arg504Cys. This variant was reported in the homozygous or compound heterozygous state in two unrelated individuals with ichthyosis prematurity syndrome (Bueno et al. 2017. PubMed ID: 27168232; Severino-Freire et al. 2018. PubMed ID: 30077338). This variant has also been reported, along with other variants in different genes, in an individual from a cohort of patients with Mendelian Disorders of Cornification (MeDOC) (Wertheim-Tysarowska et al. 2024. PubMed ID: 39501396). Alternate missense changes at the same amino acid position (p.Arg504His and p.Arg504Leu) have been reported in individuals with ichthyosis prematurity syndrome (Sobol et al. 2011. PubMed ID: 21450060; Table S1, Wu et al. 2021. PubMed ID: 33935161). The c.1510C>T (p.Arg504Cys) variant is reported in 0.0087% of alleles in individuals of Latino descent in gnomAD. This variant is interpreted as likely pathogenic.

GeneDx
Classification: Likely pathogenic. Last evaluated: 2025-11-05. Review status: criteria provided, single submitter. Criteria: GeneDx Variant Classification Process June 2021. Collection method: clinical testing. Allele origin: germline.
Comment: Not observed at significant frequency in large population cohorts (gnomAD); In silico analysis supports that this missense variant has a deleterious effect on protein structure/function; This variant is associated with the following publications: (PMID: 30077338, Charif2025[CaseReport], 27168232)

Women's Health and Genetics/Laboratory Corporation of America, LabCorp
Classification: Uncertain significance. Last evaluated: 2025-06-09. Review status: criteria provided, single submitter. Criteria: LabCorp Variant Classification Summary - May 2015. Collection method: clinical testing. Allele origin: germline.
Comment: Variant summary: SLC27A4 c.1510C>T (p.Arg504Cys) results in a non-conservative amino acid change in the encoded protein sequence. Algorithms developed to predict the effect of missense changes on protein structure and function all suggest that this variant is likely to be disruptive. The variant allele was found at a frequency of 2e-05 in 250688 control chromosomes (gnomAD). c.1510C>T has been reported in the literature in individuals affected with Ichthyosis prematurity syndrome (Bueno_2017, Severino_2018). These data indicate that the variant may be associated with disease. To our knowledge, no experimental evidence demonstrating an impact on protein function has been reported. The following publications have been ascertained in the context of this evaluation (PMID: 27168232, 30077338). ClinVar contains an entry for this variant (Variation ID: 2436009). Based on the evidence outlined above, the variant was classified as VUS-possibly pathogenic.

Fulgent Genetics
Classification: Likely pathogenic for Ichthyosis prematurity syndrome. Last evaluated: 2024-06-15. Review status: criteria provided, single submitter. Criteria: ACMG Guidelines, 2015. Collection method: clinical testing. Allele origin: germline.

Revvity Omics, Revvity
Classification: Uncertain significance for Ichthyosis prematurity syndrome. Last evaluated: 2022-09-20. Review status: criteria provided, single submitter. Criteria: ACMG Guidelines, 2015. Collection method: clinical testing. Allele origin: germline.

Literature cited by the submitters: PubMed 27168232 (cited by Women's Health and Genetics/Laboratory Corporation of America, LabCorp); PubMed 30077338 (cited by Women's Health and Genetics/Laboratory Corporation of America, LabCorp).